The following is an entry in ClinVar:

ClinVar aggregate classification (germline): Pathogenic (1 of 4 stars; one submission).

Conditions:
Ehlers-Danlos syndrome due to tenascin-X deficiency (EDSCLL1). Also called: EDS DUE TO TNX DEFICIENCY; TNX DEFICIENCY; Ehlers-Danlos syndrome, classic-like, 1; EHLERS-DANLOS SYNDROME, CLASSIC-LIKE; TNXB-Related Classical-Like Ehlers-Danlos Syndrome. Identifiers: Orphanet 230839, MedGen C1848029, MONDO:0011670, OMIM 606408.

Submission:

Myriad Genetics, Inc.
Classification: Pathogenic for Ehlers-Danlos syndrome due to tenascin-X deficiency. Last evaluated: 2026-06-10. Review status: criteria provided, single submitter. Criteria: Myriad Autosomal Dominant, Autosomal Recessive and X-Linked Classification Criteria (2023). Collection method: clinical testing. Allele origin: unknown.
Comment: NM_019105.6(TNXB):c.371dupG(C125Mfs*26) is expected to be pathogenic in the context of classical-like Ehlers-Danlos syndrome, TNXB-related. This variant is predicted to lead to an abnormal or absent protein product due to the creation of a premature termination codon in TNXB, a gene where loss-of-function variants are known to be pathogenic. Please note: this variant was assessed in the context of healthy population screening.

NM_001365276.2(TNXB):c.371dup (p.Cys125fs)

Gene: TNXB (tenascin XB; minus strand). Cytogenetic location: 6p21.33.
Variant type: Duplication.
Coding change: c.371dup on transcript NM_001365276.2 (MANE Select); coding-DNA position 371, one base duplicated (G; older notation c.371dupG).
Protein change: p.Cys125fs; shifts the reading frame from cysteine 125.
Molecular consequence: frameshift variant.
Genome position (GRCh38, 1-based): chr6:32,097,828, C duplicated on the plus strand (G on the coding strand, the reverse complement: TNXB is on the minus strand); the first of 5 consecutive C bases (chr6:32,097,828-32,097,832); duplicating any one gives the same sequence. VCF-style (leftmost placement, unchanged base first): chr6-32097827-T-TC. GRCh37 (hg19) VCF-style: chr6-32065604-T-TC.
Other names: c.371dup, p.Cys125fs (NM_001428335.1, NM_019105.8); short protein forms C125fs.
Identifiers: ClinVar variation 5016024 (VCV005016024.1).
Genomic context (GRCh38, chr6:32,097,827, plus strand): 5'-TCCACCCTCTTCTGTGATCACCTGCTCACCTGTGCCAGCTTGGGCAGAGGCAGGACAACA[T>TC]CCCCCAGTGCACTGTTCCTTGAGCCCCTTCACCAACTCCTCCAGGATCTCTAGACGGACC-3'